The following is an entry in ClinVar:

NM_001558.4(IL10RA):c.515G>A (p.Arg172His)

Gene: IL10RA (interleukin 10 receptor subunit alpha; plus strand). Cytogenetic location: 11q23.3.
Variant type: single nucleotide variant.
Coding change: c.515G>A on transcript NM_001558.4 (MANE Select); coding-DNA position 515, G replaced by A.
Protein change: p.Arg172His; replaces arginine 172 with histidine.
Molecular consequence: missense variant. On other transcripts: non-coding transcript variant (1).
Genome position (GRCh38, 1-based): chr11:117,993,388, G>A. VCF-style: chr11-117993388-G-A. GRCh37 (hg19) VCF-style: chr11-117864103-G-A.
Other names: short protein forms R172H.
Identifiers: ClinVar variation 1418097 (VCV001418097.5), dbSNP rs769225123, ClinGen allele CA6298962.

ClinVar aggregate classification (germline): Uncertain significance (1 of 4 stars; one submission).

Conditions:
Inflammatory bowel disease 28. Also called: Inflammatory bowel disease 28, early onset, autosomal recessive. Identifiers: Orphanet 238569, MedGen C2751053, MONDO:0013153, OMIM 613148.

Allele frequency attached by ClinVar (database versions not stated): gnomAD 0.00001.
gnomAD v4.1: 17 of 1,614,056 alleles (0.0011%); highest among the groups gnomAD compares: East Asian, 0.02%; no homozygotes.

Submission:

Labcorp Genetics (formerly Invitae), Labcorp
Classification: Uncertain significance for Inflammatory bowel disease 28. Last evaluated: 2021-08-20. Review status: criteria provided, single submitter. Criteria: Invitae Variant Classification Sherloc (09022015). Collection method: clinical testing. Allele origin: germline.
Comment: This sequence change replaces arginine with histidine at codon 172 of the IL10RA protein (p.Arg172His). The arginine residue is highly conserved and there is a small physicochemical difference between arginine and histidine. This variant is present in population databases (rs769225123, ExAC 0.009%). This variant has not been reported in the literature in individuals affected with IL10RA-related conditions. Algorithms developed to predict the effect of missense changes on protein structure and function are either unavailable or do not agree on the potential impact of this missense change (SIFT: "Deleterious"; PolyPhen-2: "Benign"; Align-GVGD: "Class C25"). In summary, the available evidence is currently insufficient to determine the role of this variant in disease. Therefore, it has been classified as a Variant of Uncertain Significance.